The following is an entry in ClinVar:

NM_000070.3(CAPN3):c.245C>T (p.Pro82Leu)

Gene: CAPN3 (calpain 3; plus strand). Cytogenetic location: 15q15.1.
Variant type: single nucleotide variant.
Coding change: c.245C>T on transcript NM_000070.3 (MANE Select); coding-DNA position 245, C replaced by T.
Protein change: p.Pro82Leu; replaces proline 82 with leucine.
Molecular consequence: missense variant.
Genome position (GRCh38, 1-based): chr15:42,360,050, C>T. VCF-style: chr15-42360050-C-T. GRCh37 (hg19) VCF-style: chr15-42652248-C-T.
Other names: NM_000070.3(CAPN3):c.245C>T; c.245C>T, p.Pro82Leu (NM_024344.2, NM_173087.2); short protein forms P82L.
Identifiers: ClinVar variation 282783 (VCV000282783.77), dbSNP rs886042478, ClinGen allele CA10604293.
Genomic context (GRCh38, chr15:42,360,050, plus strand): 5'-AGCAACTTCACAAGAAATGTCTAGAAAAGAAAGTTCTTTATGTGGACCCTGAGTTCCCAC[C>T]GGATGAGACCTCTCTCTTTTATAGCCAGAAGTTCCCCATCCAGTTCGTCTGGAAGAGACC-3'
Protein context (NP_000061.1, residues 72-92): KVLYVDPEFP[Pro82Leu]DETSLFYSQK

ClinVar aggregate classification (germline): Pathogenic/Likely pathogenic. Review status: criteria provided, multiple submitters, no conflicts (2 of 4 stars). 14 submissions from 14 submitters: Pathogenic (9); Likely pathogenic (4). 1 of the submissions does not count toward it. Last evaluated 2026-10-21.

Conditions:
Muscular dystrophy, limb-girdle, autosomal dominant 4. Also called: Calpain-3-related limb-girdle muscular dystrophy D4; MUSCULAR DYSTROPHY, LIMB-GIRDLE, TYPE 1I. Identifiers: Orphanet 565909, MedGen C4748295, MONDO:0029133, OMIM 618129.
Autosomal recessive limb-girdle muscular dystrophy type 2A (LGMDR1). Also called: Muscular dystrophy, limb-girdle, type 2A, Amish; LEYDEN-MOEBIUS MUSCULAR DYSTROPHY; MUSCULAR DYSTROPHY, PELVOFEMORAL; Limb-girdle muscular dystrophy, type 2A; Calpainopathy. Identifiers: Orphanet 267, MedGen C1869123, MONDO:0009675, OMIM 253600. Disease mechanism: loss of function.
Autosomal recessive limb-girdle muscular dystrophy. Identifiers: Orphanet 102015, MedGen C2931907, MONDO:0015152.

Allele frequency attached by ClinVar (database versions not stated): gnomAD exomes 0.00001; TOPMed 0.00002; gnomAD 0.00004 and 0.00005.
gnomAD v4.1: 24 of 1,614,192 alleles (0.0015%); highest among the groups gnomAD compares: African/African-American, 0.0027%; no homozygotes.

Submissions (14):

GeneDx
Classification: Likely pathogenic. Last evaluated: 2026-10-21. Review status: criteria provided, single submitter. Criteria: GeneDx Variant Classification Process June 2021. Collection method: clinical testing. Allele origin: germline.
Comment: Not observed at significant frequency in large population cohorts (gnomAD); In silico analysis suggests that this missense variant does not alter protein structure/function; This variant is associated with the following publications: (PMID: 12461690, 15689361, 16100770, 16141003, 15221789, 16372320, 15351423, 20635405, 14981715, 27023906, 17157502, 31980526, 31862442, 27447704, 26886200, 29970176, 35157181, 25135358, 31555977, 35894554, 36385624, 32528171, 39678382, 32994280, 12890817, 37526466, 40774080, 38794994)

Broad Center for Mendelian Genomics, Broad Institute of MIT and Harvard
Classification: Pathogenic for Autosomal recessive limb-girdle muscular dystrophy. Last evaluated: 2026-03-05. Review status: criteria provided, single submitter. Criteria: ACMG Guidelines, 2015. Collection method: research. Allele origin: germline. Inheritance: Autosomal recessive inheritance. Study: GREGoR Consortium.
Comment: The p.Pro82Leu variant in CAPN3 has been reported in the homozygous or compound heterozygous state in at least 5 individuals with autosomal recessive limb-girdle muscular dystrophy, and segregated with disease in 6 affected individuals from 4 families (de Paula 2002 PMID: 12461690; Milic 2005 PMID: 16100770; Chrobakova 2004 PMID: 15351423). It has also been identified in 0.003% (2/75054) of African chromosomes by gnomAD. However, this frequency is low enough to be consistent with a recessive allele frequency. This variant has also been reported in ClinVar (Variation ID 282783). Computational prediction tools and conservation analyses support that this variant may impact the protein. In vitro functional studies also provide evidence that this variant impacts protein function (Chrobakova 2004 PMID: 15351423). In summary, this variant meets criteria to be classified as pathogenic for autosomal recessive limb-girdle muscular dystrophy. ACMG/AMP Criteria applied: PPl_Strong, PM3_Strong, PS3_Supporting, PP3, PM2_Supporting.

Labcorp Genetics (formerly Invitae), Labcorp
Classification: Pathogenic for Autosomal recessive limb-girdle muscular dystrophy type 2A. Last evaluated: 2025-10-07. Review status: criteria provided, single submitter. Criteria: Invitae Variant Classification Sherloc (09022015). Collection method: clinical testing. Allele origin: germline.
Comment: This sequence change replaces proline, which is neutral and non-polar, with leucine, which is neutral and non-polar, at codon 82 of the CAPN3 protein (p.Pro82Leu). This variant is present in population databases (no rsID available, gnomAD 0.003%). This missense change has been observed in individual(s) with autosomal recessive limb-girdle muscular dystrophy (PMID: 12461690, 12890817, 15221789, 15351423, 16100770, 16141003, 16372320, 17157502, 20635405, 25135358, 26886200, 27447704). ClinVar contains an entry for this variant (Variation ID: 282783). Invitae Evidence Modeling of protein sequence and biophysical properties (such as structural, functional, and spatial information, amino acid conservation, physicochemical variation, residue mobility, and thermodynamic stability) indicates that this missense variant is not expected to disrupt CAPN3 protein function with a negative predictive value of 80%. For these reasons, this variant has been classified as Pathogenic.

Natera, Inc.
Classification: Pathogenic for Limb-girdle muscular dystrophy type 2A. Last evaluated: 2025-03-26. Review status: criteria provided, single submitter. Criteria: Natera Variant Classification Schema (03/2026). Collection method: clinical testing. Allele origin: germline.
Comment: The c.245C>T variant in CAPN3 is a missense variant predicted to cause substitution of proline to leucine at amino acid 82. This variant is rare in the general population with a frequency below the threshold expected for the associated phenotype(s). This variant has been observed in one or more individuals affected with the associated recessive disease, as either homozygous or compound heterozygous with a second variant (PMID: 25135358, 15351423). Computational prediction algorithms indicate this variant is likely to affect gene or protein function. Given the available evidence, this variant is classified as Pathogenic.

Revvity Omics, Revvity
Classification: Pathogenic. Last evaluated: 2024-12-11. Review status: criteria provided, single submitter. Criteria: ACMG Guidelines, 2015. Collection method: clinical testing. Allele origin: germline.

Dasa
Classification: Pathogenic. Last evaluated: 2024-12-04. Review status: criteria provided, single submitter. Criteria: DASA Assertion Criteria. Collection method: clinical testing. Allele origin: germline.
Comment: NM_000070.3(CAPN3):c.245C>T (p.Pro82Leu) is a missense variant that results in the substitution of proline with leucine. This variant has been observed in affected individuals with related phenotype in a genotype context consistent with recessive disease (PMID: 12461690; PMID: 15351423; PMID: 16100770; PMID: 16141003; PMID: 27447704). This variant has been recurrently observed in individuals with related phenotype (PMID: 12461690; PMID: 15351423; PMID: 16100770; PMID: 16141003; PMID: 27447704). Multiple computational predictions support a deleterious effect on the gene or gene product. The variant is present at low frequency in population datasets. Based on the available data, this variant is classified as pathogenic.

Centre of Medical Genetics, University Hospital Muenster
Classification: Likely pathogenic. Last evaluated: 2024-07-15. Review status: criteria provided, single submitter. Criteria: ACMG Guidelines, 2015. Collection method: clinical testing. Allele origin: unknown. Affected: yes. Observed: 1 variant allele, 1 heterozygote.
Comment: ACMG categories: PM2,PM3,PP3,PP5

Fulgent Genetics
Classification: Likely pathogenic for Autosomal recessive limb-girdle muscular dystrophy type 2A; Muscular dystrophy, limb-girdle, autosomal dominant 4. Last evaluated: 2024-05-31. Review status: criteria provided, single submitter. Criteria: ACMG Guidelines, 2015. Collection method: clinical testing. Allele origin: germline.

Baylor Genetics
Classification: Pathogenic for Muscular dystrophy, limb-girdle, autosomal dominant 4. Last evaluated: 2024-03-25. Review status: criteria provided, single submitter. Criteria: ACMG Guidelines, 2015. Collection method: clinical testing. Allele origin: unknown.

Institute of Medical Genetics and Applied Genomics, University Hospital Tübingen
Classification: Likely pathogenic. Last evaluated: 2020-10-23. Review status: criteria provided, single submitter. Criteria: ACMG Guidelines, 2015. Collection method: clinical testing. Allele origin: germline. Inheritance: Autosomal recessive inheritance. Affected: yes.

CeGaT Center for Human Genetics Tuebingen
Classification: Pathogenic. Last evaluated: 2018-08-01. Review status: criteria provided, single submitter. Criteria: CeGaT Center For Human Genetics Tuebingen Variant Classification Criteria Version 2. Collection method: clinical testing. Allele origin: germline. Affected: yes. Observed: 1 variant allele.

Eurofins Ntd Llc (ga)
Classification: Pathogenic. Last evaluated: 2018-07-11. Review status: criteria provided, single submitter. Criteria: EGL ClinVar v180209 classification definitions. Collection method: clinical testing. Allele origin: germline. Observed: 12 variant alleles, 12 heterozygotes.

Athena Diagnostics
Classification: Pathogenic. Last evaluated: 2016-10-04. Review status: criteria provided, single submitter. Criteria: Athena Diagnostics Criteria. Collection method: clinical testing. Allele origin: germline.

Counsyl
Classification: Likely pathogenic for Autosomal recessive limb-girdle muscular dystrophy type 2A. Last evaluated: 2016-12-15. Review status: no assertion criteria provided. Collection method: clinical testing. Allele origin: unknown. Not counted in ClinVar's aggregate classification.

Literature cited by the submitters: PubMed 12461690 (cited by 4 submitters); PubMed 12890817 (cited by Labcorp Genetics (formerly Invitae), Labcorp and Athena Diagnostics); PubMed 15221789 (cited by Labcorp Genetics (formerly Invitae), Labcorp and Athena Diagnostics); PubMed 15351423 (cited by 4 submitters); PubMed 16100770 (cited by 4 submitters); PubMed 16141003 (cited by 3 submitters); PubMed 16372320 (cited by Labcorp Genetics (formerly Invitae), Labcorp and Athena Diagnostics); PubMed 17157502 (cited by Labcorp Genetics (formerly Invitae), Labcorp and Athena Diagnostics); PubMed 20635405 (cited by Labcorp Genetics (formerly Invitae), Labcorp and Athena Diagnostics); PubMed 25135358 (cited by 4 submitters); PubMed 26886200 (cited by Labcorp Genetics (formerly Invitae), Labcorp and Athena Diagnostics); PubMed 27447704 (cited by 3 submitters); PubMed 15689361 (cited by Athena Diagnostics).